The following is an entry in ClinVar:

NM_001375405.1(CEP120):c.1180C>T (p.Pro394Ser)

Gene: CEP120 (centrosomal protein 120; minus strand). Cytogenetic location: 5q23.2.
Variant type: single nucleotide variant.
Coding change: c.1180C>T on transcript NM_001375405.1 (MANE Select); coding-DNA position 1180, C replaced by T.
Protein change: p.Pro394Ser; replaces proline 394 with serine.
Molecular consequence: missense variant. On other transcripts: non-coding transcript variant (1).
Genome position (GRCh38, 1-based): chr5:123,389,999, G>A on the plus strand (C>T on the coding strand, the complement: CEP120 is on the minus strand). VCF-style: chr5-123389999-G-A. GRCh37 (hg19) VCF-style: chr5-122725693-G-A.
Other names: c.1102C>T, p.Pro368Ser (NM_001166226.2); c.1045C>T, p.Pro349Ser (NM_001375406.1); c.1180C>T, p.Pro394Ser (NM_001375407.1, NM_153223.4); c.607C>T, p.Pro203Ser (NM_001375408.1, NM_001375409.1); short protein forms P394S, P368S, P203S, P349S.
Identifiers: ClinVar variation 642185 (VCV000642185.11), dbSNP rs200450605, ClinGen allele CA3387033.

ClinVar aggregate classification (germline): Conflicting classifications of pathogenicity. Review status: criteria provided, conflicting classifications (1 of 4 stars). 5 submissions from 5 submitters: Uncertain significance (3); Likely benign (2). Last evaluated 2024-11-13.

Conditions:
Inborn genetic diseases. Identifiers: MedGen C0950123, MeSH D030342.
Short-rib thoracic dysplasia 13 with or without polydactyly (SRTD13). Identifiers: Orphanet 474, MedGen C4225378, MONDO:0014577, OMIM 616300.

Allele frequency attached by ClinVar (database versions not stated): TOPMed 0.00053; gnomAD 0.00056 and 0.00059; gnomAD exomes 0.00069 and 0.00111; ExAC 0.00070; ESP Exome Variant Server 0.00091.
gnomAD v4.1: 1,702 of 1,613,930 alleles (0.11%); highest among the groups gnomAD compares: Non-Finnish European, 0.14%; 2 homozygotes.

Submissions (5):

Blueprint Genetics
Classification: Likely benign. Last evaluated: 2024-11-13. Review status: criteria provided, single submitter. Criteria: ACMG Guidelines, 2015. Collection method: clinical testing. Allele origin: germline.

GeneDx
Classification: Uncertain significance. Last evaluated: 2023-12-15. Review status: criteria provided, single submitter. Criteria: GeneDx Variant Classification Process June 2021. Collection method: clinical testing. Allele origin: germline. Affected: yes.
Comment: In silico analysis supports that this missense variant does not alter protein structure/function; Has not been previously published as pathogenic or benign to our knowledge

Labcorp Genetics (formerly Invitae), Labcorp
Classification: Uncertain significance for Short-rib thoracic dysplasia 13 with or without polydactyly. Last evaluated: 2022-10-18. Review status: criteria provided, single submitter. Criteria: Invitae Variant Classification Sherloc (09022015). Collection method: clinical testing. Allele origin: germline.
Comment: This sequence change replaces proline, which is neutral and non-polar, with serine, which is neutral and polar, at codon 394 of the CEP120 protein (p.Pro394Ser). This variant is present in population databases (rs200450605, gnomAD 0.1%), and has an allele count higher than expected for a pathogenic variant. This variant has not been reported in the literature in individuals affected with CEP120-related conditions. ClinVar contains an entry for this variant (Variation ID: 642185). Advanced modeling of protein sequence and biophysical properties (such as structural, functional, and spatial information, amino acid conservation, physicochemical variation, residue mobility, and thermodynamic stability) performed at Invitae indicates that this missense variant is not expected to disrupt CEP120 protein function. In summary, the available evidence is currently insufficient to determine the role of this variant in disease. Therefore, it has been classified as a Variant of Uncertain Significance.

Ambry Genetics
Classification: Likely benign for Inborn genetic diseases. Last evaluated: 2021-07-27. Review status: criteria provided, single submitter. Criteria: Ambry Variant Classification Scheme 2023. Collection method: clinical testing. Allele origin: germline.

Breakthrough Genomics
Classification: Uncertain significance. Review status: criteria provided, single submitter. Criteria: ACMG Guidelines, 2015. Collection method: not provided. Allele origin: germline. Inheritance: Autosomal recessive inheritance. Affected: yes.